The following is an entry in ClinVar:

NM_015629.4(PRPF31):c.788C>T (p.Ser263Leu)

Gene: PRPF31 (pre-mRNA processing factor 31; plus strand). Cytogenetic location: 19q13.42.
Variant type: single nucleotide variant.
Coding change: c.788C>T on transcript NM_015629.4 (MANE Select); coding-DNA position 788, C replaced by T.
Protein change: p.Ser263Leu; replaces serine 263 with leucine.
Molecular consequence: missense variant.
Genome position (GRCh38, 1-based): chr19:54,124,589, C>T. VCF-style: chr19-54124589-C-T. GRCh37 (hg19) VCF-style: chr19-54627968-C-T.
Other names: short protein forms S263L.
Identifiers: ClinVar variation 2045485 (VCV002045485.4), dbSNP rs2516157808, ClinGen allele CA407751250.

ClinVar aggregate classification (germline): Uncertain significance (1 of 4 stars; one submission).

Submission:

Labcorp Genetics (formerly Invitae), Labcorp
Classification: Uncertain significance. Last evaluated: 2021-12-17. Review status: criteria provided, single submitter. Criteria: Invitae Variant Classification Sherloc (09022015). Collection method: clinical testing. Allele origin: germline.
Comment: This sequence change replaces serine, which is neutral and polar, with leucine, which is neutral and non-polar, at codon 263 of the PRPF31 protein (p.Ser263Leu). This variant is not present in population databases (gnomAD no frequency). This missense change has been observed in individual(s) with retinitis pigmentosa (Invitae). Algorithms developed to predict the effect of missense changes on protein structure and function are either unavailable or do not agree on the potential impact of this missense change (SIFT: "Tolerated"; PolyPhen-2: "Probably Damaging"; Align-GVGD: "Class C15"). In summary, the available evidence is currently insufficient to determine the role of this variant in disease. Therefore, it has been classified as a Variant of Uncertain Significance.